The following is an entry in ClinVar:

NM_006767.4(LZTR1):c.1785+2T>G

Gene: LZTR1 (leucine zipper like post translational regulator 1; plus strand). Cytogenetic location: 22q11.21.
Variant type: single nucleotide variant.
Coding change: c.1785+2T>G on transcript NM_006767.4 (MANE Select); the canonical splice donor site of the intron after coding-DNA position 1785, T replaced by G.
Molecular consequence: splice donor variant.
Genome position (GRCh38, 1-based): chr22:20,994,729, T>G. VCF-style: chr22-20994729-T-G. GRCh37 (hg19) VCF-style: chr22-21349018-T-G.
Identifiers: ClinVar variation 1780066 (VCV001780066.2), dbSNP rs1448380294, ClinGen allele CA410778405.

ClinVar aggregate classification (germline): Likely pathogenic (1 of 4 stars; one submission).

Conditions:
Hereditary cancer-predisposing syndrome. Also called: Neoplastic Syndromes, Hereditary; Tumor predisposition; Hereditary Cancer Syndrome; Hereditary neoplastic syndrome. Identifiers: Orphanet 140162, MedGen C0027672, MeSH D009386, MONDO:0015356.
Cardiovascular phenotype. Identifiers: MedGen CN230736.

Submission:

Ambry Genetics
Classification: Likely pathogenic for Cardiovascular phenotype; Hereditary cancer-predisposing syndrome. Last evaluated: 2020-10-30. Review status: criteria provided, single submitter. Criteria: Ambry Variant Classification Scheme 2023. Collection method: clinical testing. Allele origin: germline.
Comment: The c.1785+2T>G intronic variant results from a T to G substitution two nucleotides after coding exon 15 in the LZTR1 gene. This nucleotide position is highly conserved in available vertebrate species. In silico splice site analysis predicts that this alteration will weaken the native splice donor site. Alterations that disrupt the canonical splice site are expected to cause aberrant splicing, resulting in an abnormal protein or a transcript that is subject to nonsense-mediated mRNA decay. Based on the majority of available evidence to date, this variant is likely to be pathogenic for autosomal dominant risk of schwannomatosis and would be expected to cause autosomal recessive Noonan syndrome when present along with a second pathogenic variant on the other allele.